The following is an entry in ClinVar:

NM_000517.6(HBA2):c.16dup (p.Ala6fs)

Genes: HBA2 (hemoglobin subunit alpha 2; plus strand), LOC106804612 (hemoglobin subunit alpha 2 recombination region; plus strand). Cytogenetic location: 16p13.3.
Variant type: Duplication.
Coding change: c.16dup on transcript NM_000517.6 (MANE Select); coding-DNA position 16, one base duplicated (G; older notation c.16dupG).
Protein change: p.Ala6fs; shifts the reading frame from alanine 6.
Molecular consequence: frameshift variant.
Genome position (GRCh38, 1-based): chr16:172,928, G duplicated. VCF-style (leftmost placement, unchanged base first): chr16-172927-T-TG. GRCh37 (hg19) VCF-style: chr16-222926-T-TG.
Other names: short protein forms A6fs.
Identifiers: ClinVar variation 4818633 (VCV004818633.1).

ClinVar aggregate classification (germline): Likely pathogenic (1 of 4 stars; one submission).

Conditions:
alpha Thalassemia. Also called: Alpha thalassemia spectrum. Identifiers: Orphanet 846, MedGen C0002312, MONDO:0011399, OMIM 604131.

Submission:

Natera, Inc.
Classification: Likely pathogenic for Alpha thalassemia. Last evaluated: 2024-11-03. Review status: criteria provided, single submitter. Criteria: Natera Variant Classification Schema (03/2026). Collection method: clinical testing. Allele origin: germline.
Comment: The c.16dupG variant in HBA2 is a frameshift variant predicted to shift the reading frame beginning at codon 6 and leads to a stop codon 12 codons downstream. This variant is expected to result in nonsense mediated decay, truncation, or a dysfunctional protein product. This variant is rare in the general population with a frequency below the threshold expected for the associated phenotype(s). Given the available evidence, this variant is classified as Likely Pathogenic.